The following is an entry in ClinVar:

ClinVar aggregate classification (germline): Uncertain significance (1 of 4 stars; one submission).

Conditions:
Neuropathy, hereditary sensory and autonomic, type 2A (HSAN2A). Also called: ACROOSTEOLYSIS, GIACCAI TYPE; ACROOSTEOLYSIS, NEUROGENIC; MORVAN DISEASE; NEUROPATHY, CONGENITAL SENSORY; NEUROPATHY, HEREDITARY SENSORY RADICULAR, AUTOSOMAL RECESSIVE; NEUROPATHY, HEREDITARY SENSORY, TYPE IIA. Identifiers: Orphanet 970, MedGen C2752089, MONDO:0024309, OMIM 201300.
Pseudohypoaldosteronism type 2C (PHA2C). Also called: Pseudohypoaldosteronism Type IIC. Identifiers: Orphanet 757, Orphanet 88940, MedGen C1840391, MONDO:0013778, OMIM 614492.

Allele frequency attached by ClinVar (database versions not stated): gnomAD exomes below 0.00001; ExAC 0.00001; gnomAD 0.00001; TOPMed 0.00003.
gnomAD v4.1: 7 of 1,613,864 alleles (0.00043%); highest among the groups gnomAD compares: African/African-American, 0.004%; no homozygotes.

Submission:

Labcorp Genetics (formerly Invitae), Labcorp
Classification: Uncertain significance for Neuropathy, hereditary sensory and autonomic, type 2A; Pseudohypoaldosteronism type 2C. Last evaluated: 2025-06-12. Review status: criteria provided, single submitter. Criteria: Invitae Variant Classification Sherloc (09022015). Collection method: clinical testing. Allele origin: germline.
Comment: This sequence change replaces serine, which is neutral and polar, with phenylalanine, which is neutral and non-polar, at codon 599 of the WNK1 protein (p.Ser599Phe). This variant is present in population databases (rs759314944, gnomAD 0.007%). This variant has not been reported in the literature in individuals affected with WNK1-related conditions. ClinVar contains an entry for this variant (Variation ID: 2139034). Invitae Evidence Modeling of protein sequence and biophysical properties (such as structural, functional, and spatial information, amino acid conservation, physicochemical variation, residue mobility, and thermodynamic stability) indicates that this missense variant is not expected to disrupt WNK1 protein function with a negative predictive value of 95%. In summary, the available evidence is currently insufficient to determine the role of this variant in disease. Therefore, it has been classified as a Variant of Uncertain Significance.

NM_018979.4(WNK1):c.1796C>T (p.Ser599Phe)

Gene: WNK1 (WNK lysine deficient protein kinase 1; plus strand). Cytogenetic location: 12p13.33.
Variant type: single nucleotide variant.
Coding change: c.1796C>T on transcript NM_018979.4 (MANE Select); coding-DNA position 1796, C replaced by T.
Protein change: p.Ser599Phe; replaces serine 599 with phenylalanine.
Molecular consequence: missense variant.
Genome position (GRCh38, 1-based): chr12:861,188, C>T. VCF-style: chr12-861188-C-T. GRCh37 (hg19) VCF-style: chr12-970354-C-T.
Other names: c.1796C>T, p.Ser599Phe (NM_001184985.2, NM_014823.3, NM_213655.5); short protein forms S599F.
Identifiers: ClinVar variation 2139034 (VCV002139034.4), dbSNP rs759314944, ClinGen allele CA6382034.